The following is an entry in ClinVar:

ClinVar aggregate classification (germline): Conflicting classifications of pathogenicity. Review status: criteria provided, conflicting classifications (1 of 4 stars). 2 submissions from 2 submitters: Uncertain significance (1); Likely benign (1). Last evaluated 2026-09-24.

Conditions:
PCNT-related disorder. Also called: PCNT-related condition.

Allele frequency attached by ClinVar (database versions not stated): gnomAD exomes below 0.00001; gnomAD 0.00001.
gnomAD v4.1: 3 of 1,610,356 alleles (0.00019%); highest among the groups gnomAD compares: Non-Finnish European, 0.00025%; no homozygotes.

Submissions (2):

PreventionGenetics, part of Exact Sciences
Classification: Uncertain significance for PCNT-related condition. Last evaluated: 2026-09-24. Review status: criteria provided, single submitter. Criteria: ACMG Guidelines, 2015. Collection method: clinical testing. Allele origin: germline.
Comment: The PCNT c.49A>G variant is predicted to result in the amino acid substitution p.Thr17Ala. To our knowledge, this variant has not been reported in the literature or in a large population database (gnomAD), indicating this variant is rare. At this time, the clinical significance of this variant is uncertain due to the absence of conclusive functional and genetic evidence.

GeneDx
Classification: Likely benign. Last evaluated: 2017-06-09. Review status: criteria provided, single submitter. Criteria: GeneDx Variant Classification (06012015). Collection method: clinical testing. Allele origin: germline. Affected: yes.
Comment: This variant is considered likely benign or benign based on one or more of the following criteria: it is a conservative change, it occurs at a poorly conserved position in the protein, it is predicted to be benign by multiple in silico algorithms, and/or has population frequency not consistent with disease.

NM_006031.6(PCNT):c.49A>G (p.Thr17Ala)

Gene: PCNT (pericentrin; plus strand). Cytogenetic location: 21q22.3.
Variant type: single nucleotide variant.
Coding change: c.49A>G on transcript NM_006031.6 (MANE Select); coding-DNA position 49, A replaced by G.
Protein change: p.Thr17Ala; replaces threonine 17 with alanine.
Molecular consequence: missense variant.
Genome position (GRCh38, 1-based): chr21:46,324,277, A>G. VCF-style: chr21-46324277-A-G. GRCh37 (hg19) VCF-style: chr21-47744191-A-G.
Other names: short protein forms T17A.
Identifiers: ClinVar variation 517931 (VCV000517931.2), dbSNP rs1055522433, ClinGen allele CA321997989.